The following is an entry in ClinVar:

ClinVar aggregate classification (germline): Uncertain significance (1 of 4 stars; one submission).

Conditions:
Familial thoracic aortic aneurysm and aortic dissection (TAAD). Also called: Thoracic aortic aneurysms and dissections. Identifiers: Orphanet 91387, MedGen C4707243, MONDO:0019625.

Submission:

Ambry Genetics
Classification: Uncertain significance for Familial thoracic aortic aneurysm and aortic dissection. Last evaluated: 2025-12-16. Review status: criteria provided, single submitter. Criteria: Ambry Variant Classification Scheme 2023. Collection method: clinical testing. Allele origin: germline.
Comment: The p.P1214L variant (also known as c.3641C>T), located in coding exon 51 of the COL5A2 gene, results from a C to T substitution at nucleotide position 3641. The proline at codon 1214 is replaced by leucine, an amino acid with similar properties. This amino acid position is conserved. In addition, the in silico prediction for this alteration is inconclusive. Based on the available evidence, the clinical significance of this variant remains unclear.

NM_000393.5(COL5A2):c.3641C>T (p.Pro1214Leu)

Gene: COL5A2 (collagen type V alpha 2 chain; minus strand). Cytogenetic location: 2q32.2.
Variant type: single nucleotide variant.
Coding change: c.3641C>T on transcript NM_000393.5 (MANE Select); coding-DNA position 3641, C replaced by T.
Protein change: p.Pro1214Leu; replaces proline 1214 with leucine.
Molecular consequence: missense variant.
Genome position (GRCh38, 1-based): chr2:189,039,556, G>A on the plus strand (C>T on the coding strand, the complement: COL5A2 is on the minus strand). VCF-style: chr2-189039556-G-A. GRCh37 (hg19) VCF-style: chr2-189904282-G-A.
Other names: short protein forms P1214L.
Identifiers: ClinVar variation 4842226 (VCV004842226.1).